The following is an entry in ClinVar:

NM_001563.4(IMPG1):c.896C>T (p.Ser299Phe)

Gene: IMPG1 (interphotoreceptor matrix proteoglycan 1; minus strand). Cytogenetic location: 6q14.1.
Variant type: single nucleotide variant.
Coding change: c.896C>T on transcript NM_001563.4 (MANE Select); coding-DNA position 896, C replaced by T.
Protein change: p.Ser299Phe; replaces serine 299 with phenylalanine.
Molecular consequence: missense variant.
Genome position (GRCh38, 1-based): chr6:76,005,526, G>A on the plus strand (C>T on the coding strand, the complement: IMPG1 is on the minus strand). VCF-style: chr6-76005526-G-A. GRCh37 (hg19) VCF-style: chr6-76715243-G-A.
Other names: c.662C>T, p.Ser221Phe (NM_001282368.2); short protein forms S299F, S221F.
Identifiers: ClinVar variation 840007 (VCV000840007.10), dbSNP rs1783081480, ClinGen allele CA364774702.

ClinVar aggregate classification (germline): Uncertain significance (1 of 4 stars; one submission).

Allele frequency attached by ClinVar (database versions not stated): gnomAD exomes below 0.00001.

Submission:

Labcorp Genetics (formerly Invitae), Labcorp
Classification: Uncertain significance. Last evaluated: 2019-12-31. Review status: criteria provided, single submitter. Criteria: Invitae Variant Classification Sherloc (09022015). Collection method: clinical testing. Allele origin: germline.
Comment: This sequence change replaces serine with phenylalanine at codon 299 of the IMPG1 protein (p.Ser299Phe). The serine residue is highly conserved and there is a large physicochemical difference between serine and phenylalanine. This variant is not present in population databases (ExAC no frequency). This variant has not been reported in the literature in individuals with IMPG1-related conditions. Algorithms developed to predict the effect of missense changes on protein structure and function output the following: SIFT: "Deleterious"; PolyPhen-2: "Benign"; Align-GVGD: "Class C65". The phenylalanine amino acid residue is found in multiple mammalian species, suggesting that this missense change does not adversely affect protein function. These predictions have not been confirmed by published functional studies and their clinical significance is uncertain. In summary, the available evidence is currently insufficient to determine the role of this variant in disease. Therefore, it has been classified as a Variant of Uncertain Significance.